The following is an entry in ClinVar:

ClinVar aggregate classification (germline): Uncertain significance (1 of 4 stars; one submission).

gnomAD v4.1: 1 of 1,556,882 alleles (0.000064%); highest among the groups gnomAD compares: Non-Finnish European, 0.000087%; no homozygotes.

Submission:

Labcorp Genetics (formerly Invitae), Labcorp
Classification: Uncertain significance. Last evaluated: 2024-01-02. Review status: criteria provided, single submitter. Criteria: Invitae Variant Classification Sherloc (09022015). Collection method: clinical testing. Allele origin: germline.
Comment: This sequence change replaces serine, which is neutral and polar, with arginine, which is basic and polar, at codon 1238 of the PCARE protein (p.Ser1238Arg). This variant is not present in population databases (gnomAD no frequency). This variant has not been reported in the literature in individuals affected with PCARE-related conditions. ClinVar contains an entry for this variant (Variation ID: 1024779). An algorithm developed to predict the effect of missense changes on protein structure and function (PolyPhen-2) suggests that this variant is likely to be disruptive. In summary, the available evidence is currently insufficient to determine the role of this variant in disease. Therefore, it has been classified as a Variant of Uncertain Significance.

NM_001029883.3(PCARE):c.3714C>G (p.Ser1238Arg)

Gene: PCARE (photoreceptor cilium actin regulator; minus strand). Cytogenetic location: 2p23.2.
Variant type: single nucleotide variant.
Coding change: c.3714C>G on transcript NM_001029883.3 (MANE Select); coding-DNA position 3714, C replaced by G.
Protein change: p.Ser1238Arg; replaces serine 1238 with arginine.
Molecular consequence: missense variant.
Genome position (GRCh38, 1-based): chr2:29,065,022, G>C on the plus strand (C>G on the coding strand, the complement: PCARE is on the minus strand). VCF-style: chr2-29065022-G-C. GRCh37 (hg19) VCF-style: chr2-29287888-G-C.
Other names: short protein forms S1238R.
Identifiers: ClinVar variation 1024779 (VCV001024779.9), dbSNP rs368652431, ClinGen allele CA346470908.